The following is an entry in ClinVar:

NM_001048174.2(MUTYH):c.1240-1G>T

Gene: MUTYH (mutY DNA glycosylase; minus strand). Cytogenetic location: 1p34.1.
Variant type: single nucleotide variant.
Coding change: c.1240-1G>T on transcript NM_001048174.2 (MANE Select); the canonical splice acceptor site of the intron before coding-DNA position 1240, G replaced by T.
Molecular consequence: splice acceptor variant.
Genome position (GRCh38, 1-based): chr1:45,331,335, C>A on the plus strand (G>T on the coding strand, the complement: MUTYH is on the minus strand). VCF-style: chr1-45331335-C-A. GRCh37 (hg19) VCF-style: chr1-45797007-C-A.
Other names: c.1240-1G>T (NM_001407072.1, NM_001407073.1, NM_001048171.2 and 6 more transcripts); c.895-1G>T (NM_001350651.2, NM_001350650.2, NM_001407082.1); c.964-1G>T (NM_001293192.2, NM_001293196.2, NM_001407091.1); c.1285-1G>T (NM_001293190.2); c.1273-1G>T (NM_001407069.1, NM_001407077.1, NM_001293191.2); c.1315-1G>T (NM_012222.3); c.1324-1G>T (NM_001128425.2); c.1243-1G>T (NM_001407071.1, NM_001048172.2, NM_001407078.1 and 1 more transcripts); and 5 more.
Identifiers: ClinVar variation 234080 (VCV000234080.5), dbSNP rs876660837, ClinGen allele CA10577706.

ClinVar aggregate classification (germline): Likely pathogenic (1 of 4 stars; one submission).

Conditions:
Hereditary cancer-predisposing syndrome. Also called: Neoplastic Syndromes, Hereditary; Tumor predisposition; Hereditary Cancer Syndrome; Hereditary neoplastic syndrome. Identifiers: Orphanet 140162, MedGen C0027672, MeSH D009386, MONDO:0015356.

Submission:

Ambry Genetics
Classification: Likely pathogenic for Hereditary cancer-predisposing syndrome. Last evaluated: 2015-09-24. Review status: criteria provided, single submitter. Criteria: Ambry Variant Classification Scheme 2023. Collection method: clinical testing. Allele origin: germline.
Comment: The c.1324-1G>T intronic variant results from a G to T substitution one nucleotide upstream from coding exon 14 of the MUTYH gene. This variant was not reported in population based cohorts in the following databases: Database of Single Nucleotide Polymorphisms (dbSNP), NHLBI Exome Sequencing Project (ESP), and 1000 Genomes Project. In the ESP, this variant was not observed in 6503 samples (13006 alleles) with coverage at this position. To date, this alteration has been detected with an allele frequency of approximately 0.001% (greater than 75000 alleles tested) in our clinical cohort. This nucleotide position is highly conserved in available vertebrate species. Using the BDGP and ESEfinder splice site prediction tools, this alteration is predicted to abolish the native splice acceptor site; however, direct evidence is unavailable. Alterations that disrupt the canonical splice acceptor site are typically deleterious in nature (ACMG Recommendations for Standards for Interpretation and Reporting of Sequence Variations. Revision 2007. Genet Med. 2008;10:294). As such, the c.1324-1G>T variant is classified as likely pathogenic.